The following is an entry in ClinVar:

NM_000213.5(ITGB4):c.3655+10C>T

Gene: ITGB4 (integrin subunit beta 4; plus strand). Cytogenetic location: 17q25.1.
Variant type: single nucleotide variant.
Coding change: c.3655+10C>T on transcript NM_000213.5 (MANE Select); 10 bases into the intron after coding-DNA position 3655, C replaced by T.
Molecular consequence: intron variant.
Genome position (GRCh38, 1-based): chr17:75,750,870, C>T. VCF-style: chr17-75750870-C-T. GRCh37 (hg19) VCF-style: chr17-73746951-C-T.
Other names: c.3655+10C>T (NM_001005619.2, NM_001005731.3, NM_001438834.1 and 1 more transcripts).
Identifiers: ClinVar variation 325182 (VCV000325182.10), dbSNP rs767096926, ClinGen allele CA8769894.

ClinVar aggregate classification (germline): Conflicting classifications of pathogenicity. Review status: criteria provided, conflicting classifications (1 of 4 stars). 3 submissions from 3 submitters: Uncertain significance (1); Likely benign (1). 1 of the submissions does not count toward it. Last evaluated 2024-03-07.

Conditions:
ITGB4-related disorder. Also called: ITGB4-related condition.
Junctional epidermolysis bullosa with pyloric atresia. Also called: ITGB4-Related Epidermolysis Bullosa with Pyloric Atresia; ITGA6-Related Epidermolysis Bullosa with Pyloric Atresia; EPIDERMOLYSIS BULLOSA, JUNCTIONAL 5B, WITH PYLORIC ATRESIA; APLASIA CUTIS CONGENITA WITH GASTROINTESTINAL ATRESIA; CARMI SYNDROME; EB-PA-ACC. Identifiers: Orphanet 79403, MedGen C5676875, MONDO:0009183, OMIM 226730.

Allele frequency attached by ClinVar (database versions not stated): gnomAD exomes 0.00001 and 0.00004; gnomAD 0.00003; ExAC 0.00004; TOPMed 0.00004.
gnomAD v4.1: 22 of 1,613,340 alleles (0.0014%); highest among the groups gnomAD compares: Admixed American, 0.017%; no homozygotes.

Submissions (3):

Labcorp Genetics (formerly Invitae), Labcorp
Classification: Likely benign. Last evaluated: 2024-03-07. Review status: criteria provided, single submitter. Criteria: Invitae Variant Classification Sherloc (09022015). Collection method: clinical testing. Allele origin: germline.

Illumina Laboratory Services, Illumina
Classification: Uncertain significance for Junctional epidermolysis bullosa with pyloric atresia. Last evaluated: 2018-01-13. Review status: criteria provided, single submitter. Criteria: ICSL Variant Classification Criteria 13 December 2019. Collection method: clinical testing. Allele origin: germline.

PreventionGenetics, part of Exact Sciences
Classification: Likely benign for ITGB4-related condition. Last evaluated: 2019-06-12. Review status: no assertion criteria provided. Collection method: clinical testing. Allele origin: germline. Not counted in ClinVar's aggregate classification.
Comment: This variant is classified as likely benign based on ACMG/AMP sequence variant interpretation guidelines (Richards et al. 2015 PMID: 25741868, with internal and published modifications).